The following is an entry in ClinVar:

ClinVar aggregate classification (germline): Uncertain significance (1 of 4 stars; one submission).

Conditions:
Cutis laxa, autosomal dominant 3 (ADCL3). Identifiers: Orphanet 90348, MedGen C4225268, MONDO:0014706, OMIM 616603.
Autosomal dominant spastic paraplegia type 9. Identifiers: MedGen C1832669, MONDO:0015091.
de Barsy syndrome. Also called: Cutis laxa-corneal clouding-oligophrenia syndrome. Identifiers: Orphanet 2962, MedGen C0268354, MONDO:0017569.

Submission:

Labcorp Genetics (formerly Invitae), Labcorp
Classification: Uncertain significance for Autosomal dominant spastic paraplegia type 9; de Barsy syndrome; Cutis laxa, autosomal dominant 3. Last evaluated: 2025-07-09. Review status: criteria provided, single submitter. Criteria: Invitae Variant Classification Sherloc (09022015). Collection method: clinical testing. Allele origin: germline.
Comment: This sequence change replaces alanine, which is neutral and non-polar, with threonine, which is neutral and polar, at codon 171 of the ALDH18A1 protein (p.Ala171Thr). This variant is not present in population databases (gnomAD no frequency). This variant has not been reported in the literature in individuals affected with ALDH18A1-related conditions. Invitae Evidence Modeling of protein sequence and biophysical properties (such as structural, functional, and spatial information, amino acid conservation, physicochemical variation, residue mobility, and thermodynamic stability) indicates that this missense variant is not expected to disrupt ALDH18A1 protein function with a negative predictive value of 80%. In summary, the available evidence is currently insufficient to determine the role of this variant in disease. Therefore, it has been classified as a Variant of Uncertain Significance.

NM_002860.4(ALDH18A1):c.511G>A (p.Ala171Thr)

Gene: ALDH18A1 (aldehyde dehydrogenase 18 family member A1; minus strand). Cytogenetic location: 10q24.1.
Variant type: single nucleotide variant.
Coding change: c.511G>A on transcript NM_002860.4 (MANE Select); coding-DNA position 511, G replaced by A.
Protein change: p.Ala171Thr; replaces alanine 171 with threonine.
Molecular consequence: missense variant. On other transcripts: intron variant (2).
Genome position (GRCh38, 1-based): chr10:95,637,140, C>T on the plus strand (G>A on the coding strand, the complement: ALDH18A1 is on the minus strand). VCF-style: chr10-95637140-C-T. GRCh37 (hg19) VCF-style: chr10-97396897-C-T.
Other names: c.511G>A, p.Ala171Thr (NM_001017423.2, NM_001323413.2, NM_001323414.2 and 1 more transcripts); c.178G>A, p.Ala60Thr (NM_001323412.2, NM_001323416.2, NM_001323418.2); c.-78-3491G>A (NM_001323419.2); c.453+147G>A (NM_001323417.2); short protein forms A60T, A171T.
Identifiers: ClinVar variation 4791351 (VCV004791351.1).